The following is an entry in ClinVar:

ClinVar aggregate classification (germline): Uncertain significance. Review status: criteria provided, multiple submitters, no conflicts (2 of 4 stars). 2 submissions from 2 submitters: Uncertain significance (2). Last evaluated 2025-09-03.

Conditions:
Hypertrophic cardiomyopathy. Also called: HYPERTROPHIC MYOCARDIOPATHY. Identifiers: Orphanet 217569, MedGen C0007194, MeSH D002312, MONDO:0005045, HP:0001639.

gnomAD v4.1: 1 of 1,614,130 alleles (0.000062%); no homozygotes.

Submissions (2):

Labcorp Genetics (formerly Invitae), Labcorp
Classification: Uncertain significance for Hypertrophic cardiomyopathy. Last evaluated: 2025-09-03. Review status: criteria provided, single submitter. Criteria: Invitae Variant Classification Sherloc (09022015). Collection method: clinical testing. Allele origin: germline.
Comment: This sequence change replaces glutamic acid, which is acidic and polar, with lysine, which is basic and polar, at codon 186 of the MYL3 protein (p.Glu186Lys). This variant is not present in population databases (gnomAD no frequency). This variant has not been reported in the literature in individuals affected with MYL3-related conditions. ClinVar contains an entry for this variant (Variation ID: 3075506). An algorithm developed to predict the effect of missense changes on protein structure and function outputs the following: PolyPhen-2: "Possibly Damaging". The lysine amino acid residue is found in multiple mammalian species, which suggests that this missense change does not adversely affect protein function. In summary, the available evidence is currently insufficient to determine the role of this variant in disease. Therefore, it has been classified as a Variant of Uncertain Significance.

All of Us Research Program, National Institutes of Health
Classification: Uncertain significance for Hypertrophic cardiomyopathy. Last evaluated: 2024-05-09. Review status: criteria provided, single submitter. Criteria: ACMG Guidelines, 2015. Collection method: clinical testing. Allele origin: germline. Inheritance: Autosomal dominant inheritance. Observed: 3 variant alleles, 3 heterozygotes.
Comment: This missense variant replaces glutamic acid with lysine at codon 186 of the MYL3 protein. Computational prediction is inconclusive regarding the impact of this variant on protein structure and function (internally defined REVEL score threshold 0.5 < inconclusive < 0.7, PMID: 27666373). To our knowledge, functional studies have not been reported for this variant. This variant has not been reported in individuals affected with cardiovascular disorders in the literature. This variant has not been identified in the general population by the Genome Aggregation Database (gnomAD). The available evidence is insufficient to determine the role of this variant in disease conclusively. Therefore, this variant is classified as a Variant of Uncertain Significance.

This study involves interpretation of variants in research participants for the purpose of population health screening. Participant phenotype was not available at the time of variant classification. Additional details can be found in publication PMID: 35346344, PMCID: PMC8962531

NM_000258.3(MYL3):c.556G>A (p.Glu186Lys)

Gene: MYL3 (myosin light chain 3; minus strand). Cytogenetic location: 3p21.31.
Variant type: single nucleotide variant.
Coding change: c.556G>A on transcript NM_000258.3 (MANE Select); coding-DNA position 556, G replaced by A.
Protein change: p.Glu186Lys; replaces glutamic acid 186 with lysine.
Molecular consequence: missense variant.
Genome position (GRCh38, 1-based): chr3:46,858,387, C>T on the plus strand (G>A on the coding strand, the complement: MYL3 is on the minus strand). VCF-style: chr3-46858387-C-T. GRCh37 (hg19) VCF-style: chr3-46899877-C-T.
Other names: c.556G>A, p.Glu186Lys (NM_001406937.1, NM_001406938.1, NM_001406939.1); c.382G>A, p.Glu128Lys (NM_001406940.1); c.367G>A, p.Glu123Lys (NM_001406941.1); short protein forms E123K, E128K, E186K.
Identifiers: ClinVar variation 3075506 (VCV003075506.3), dbSNP rs2544962959, ClinGen allele CA352495232.